The following is an entry in ClinVar:

ClinVar aggregate classification (germline): Likely pathogenic (1 of 4 stars; one submission).

Conditions:
Intellectual disability-severe speech delay-mild dysmorphism syndrome (IDDLA). Also called: FOXP1 Syndrome; Intellectual developmental disorder with language impairment AND with or without autistic features; Mental retardation with language impairment and autistic features. Identifiers: Orphanet 391372, MedGen C4013764, MONDO:0013352, OMIM 613670.

Submission:

Dasa
Classification: Likely pathogenic for Intellectual disability-severe speech delay-mild dysmorphism syndrome. Last evaluated: 2025-10-09. Review status: criteria provided, single submitter. Criteria: DASA Assertion Criteria. Collection method: clinical testing. Allele origin: germline.
Comment: NM_001349338.3(FOXP1):c.929G>A (p.Trp310*) is a nonsense variant in FOXP1 predicted to introduce a premature termination codon and is predicted to result in an absent or altered protein product. Loss of function is an established disease mechanism for FOXP1 (PMID: 29090079; PMID: 20848658; PMID: 20950788). Also, this variant is absent from population databases. Based on the currently available evidence, this variant is classified as likely pathogenic.

Literature cited by the submitters: PubMed 29090079; PubMed 20848658; PubMed 20950788.

NM_001349338.3(FOXP1):c.929G>A (p.Trp310Ter)

Gene: FOXP1 (forkhead box P1; minus strand). Cytogenetic location: 3p13.
Variant type: single nucleotide variant.
Coding change: c.929G>A on transcript NM_001349338.3 (MANE Select); coding-DNA position 929, G replaced by A.
Protein change: p.Trp310Ter; replaces tryptophan 310 with a stop codon.
Molecular consequence: nonsense. On other transcripts: non-coding transcript variant (2).
Genome position (GRCh38, 1-based): chr3:71,015,594, C>T on the plus strand (G>A on the coding strand, the complement: FOXP1 is on the minus strand). VCF-style: chr3-71015594-C-T. GRCh37 (hg19) VCF-style: chr3-71064745-C-T.
Other names: c.929G>A, p.Trp310Ter (NM_001244808.3, NM_001244810.2, NM_001244814.3 and 3 more transcripts); c.701G>A, p.Trp234Ter (NM_001244812.3); c.629G>A, p.Trp210Ter (NM_001244813.3, NM_001244815.2, NM_001349342.3 and 1 more transcripts); c.626G>A, p.Trp209Ter (NM_001349337.2, NM_001349343.3, NM_001349344.3); c.926G>A, p.Trp309Ter (NM_001349341.3); short protein forms W209*, W210*, W234*, W309*, W310*.
Identifiers: ClinVar variation 4882578 (VCV004882578.2).
Genomic context (GRCh38, chr3:71,015,594, plus strand): 5'-TAAAATCATTCTTACTTTAGAAATGATTGGAAATCTTCGCACACTGCTTCACAGCCTGGC[C>T]ACTTGCATACACCATGTCCATAGAGAGGATGGCTATGGGGGTGCTCCTCATGGGACAAAC-3'